The following is an entry in ClinVar:

NM_001379081.2(FREM1):c.1288C>T (p.Arg430Ter)

Gene: FREM1 (FRAS1 related extracellular matrix 1; minus strand). Cytogenetic location: 9p22.3.
Variant type: single nucleotide variant.
Coding change: c.1288C>T on transcript NM_001379081.2 (MANE Select); coding-DNA position 1288, C replaced by T.
Protein change: p.Arg430Ter; replaces arginine 430 with a stop codon.
Molecular consequence: nonsense. On other transcripts: non-coding transcript variant (2).
Genome position (GRCh38, 1-based): chr9:14,846,065, G>A on the plus strand (C>T on the coding strand, the complement: FREM1 is on the minus strand). VCF-style: chr9-14846065-G-A. GRCh37 (hg19) VCF-style: chr9-14846063-G-A.
Other names: c.1288C>T, p.Arg430Ter (NM_144966.7); short protein forms R430*.
Identifiers: ClinVar variation 1324428 (VCV001324428.6), dbSNP rs369363695, ClinGen allele CA4991303.

ClinVar aggregate classification (germline): Pathogenic (1 of 4 stars; one submission).

Allele frequency attached by ClinVar (database versions not stated): gnomAD exomes 0.00001 and 0.00002; ExAC 0.00004; gnomAD 0.00005 and 0.00006; TOPMed 0.00006; ESP Exome Variant Server 0.00016.
gnomAD v4.1: 19 of 1,591,124 alleles (0.0012%); highest among the groups gnomAD compares: African/African-American, 0.02%; no homozygotes.

Submission:

Labcorp Genetics (formerly Invitae), Labcorp
Classification: Pathogenic. Last evaluated: 2025-06-12. Review status: criteria provided, single submitter. Criteria: Invitae Variant Classification Sherloc (09022015). Collection method: clinical testing. Allele origin: germline.
Comment: This sequence change creates a premature translational stop signal (p.Arg430*) in the FREM1 gene. It is expected to result in an absent or disrupted protein product. Loss-of-function variants in FREM1 are known to be pathogenic (PMID: 19732862, 21507892). This variant is present in population databases (rs369363695, gnomAD 0.02%). This variant has not been reported in the literature in individuals affected with FREM1-related conditions. ClinVar contains an entry for this variant (Variation ID: 1324428). For these reasons, this variant has been classified as Pathogenic.

Literature cited by the submitters: PubMed 19732862; PubMed 21507892.